The following is an entry in ClinVar:

NM_001875.5(CPS1):c.3062G>A (p.Ser1021Asn)

Gene: CPS1 (carbamoyl-phosphate synthase 1; plus strand). Cytogenetic location: 2q34.
Variant type: single nucleotide variant.
Coding change: c.3062G>A on transcript NM_001875.5 (MANE Select); coding-DNA position 3062, G replaced by A.
Protein change: p.Ser1021Asn; replaces serine 1021 with asparagine.
Molecular consequence: missense variant. On other transcripts: non-coding transcript variant (2).
Genome position (GRCh38, 1-based): chr2:210,642,586, G>A. VCF-style: chr2-210642586-G-A. GRCh37 (hg19) VCF-style: chr2-211507310-G-A.
Other names: c.3062G>A, p.Ser1021Asn (NM_001122633.3, NM_001369257.1); c.3095G>A, p.Ser1032Asn (NM_001369256.1); short protein forms S1021N, S1032N.
Identifiers: ClinVar variation 1501093 (VCV001501093.8), dbSNP rs2105901649, ClinGen allele CA350434176.

ClinVar aggregate classification (germline): Uncertain significance (1 of 4 stars; one submission).

Conditions:
Congenital hyperammonemia, type I. Also called: Carbamoyl phosphate synthetase I deficiency disease; Carbamoyl-phosphate synthase I deficiency; CPS I DEFICIENCY; Carbamoyl phosphate synthetase 1 deficiency; Hyperammonemia due to carbamoyl phosphate synthetase 1 deficiency; CPS 1 deficiency. Identifiers: Orphanet 147, MedGen C4082171, MONDO:0009376, OMIM 237300.

Submission:

Labcorp Genetics (formerly Invitae), Labcorp
Classification: Uncertain significance for Congenital hyperammonemia, type I. Last evaluated: 2021-04-27. Review status: criteria provided, single submitter. Criteria: Invitae Variant Classification Sherloc (09022015). Collection method: clinical testing. Allele origin: germline.
Comment: In summary, the available evidence is currently insufficient to determine the role of this variant in disease. Therefore, it has been classified as a Variant of Uncertain Significance. Algorithms developed to predict the effect of missense changes on protein structure and function are either unavailable or do not agree on the potential impact of this missense change (SIFT: "Deleterious"; PolyPhen-2: "Probably Damaging"; Align-GVGD: "Class C0"). This variant has not been reported in the literature in individuals with CPS1-related conditions. This variant is not present in population databases (ExAC no frequency). This sequence change replaces serine with asparagine at codon 1021 of the CPS1 protein (p.Ser1021Asn). The serine residue is highly conserved and there is a small physicochemical difference between serine and asparagine.